The following is an entry in ClinVar:

ClinVar aggregate classification (germline): Uncertain significance (1 of 4 stars; one submission).

Conditions:
Collagen 6-related myopathy. Identifiers: MedGen CN117976, MONDO:0100225.

Submission:

Clinical Omics and Informatics (COIN) Unit, Neuroscience Institute, University Of Cape Town
Classification: Uncertain significance for Collagen 6-related myopathy. Last evaluated: 2025-02-10. Review status: criteria provided, single submitter. Criteria: ACMG Guidelines, 2015. Collection method: research. Allele origin: germline. Inheritance: Autosomal dominant inheritance. Affected: yes.
Comment: PM2_supporting: this variant is absent from gnomAD v4.0 (adequate coverage >20X confirmed). PVS1_Moderate: canonical splice donor variant in intron 13 predicted to result in skipping of exon 13 which preserves the reading frame. LOF variants in this exon are not frequent in the general population. Exon is present in biologically-relevant transcripts. Variant removes <10% of protein. PS1 Not Met: the predicted predominant splicing alteration, i.e. exon 13 skipping, matches the predicted predominant splicing alteration of 1 reported variant within the same splice donor site (+1,2 dinucleotide at the 3' end of intron 13): likely pathogenic COL6A2 (NM_001849.4:c.1179+1G>A, ClinVar SCV001220867.4). The evidence for the likely pathogenic classification of this variant was not based on case level data. Sequencing funded by the International Centre for Genomic Medicine in Neuromuscular Diseases (ICGNMD).

NM_001849.4(COL6A2):c.1179+2T>C

Gene: COL6A2 (collagen type VI alpha 2 chain; plus strand). Cytogenetic location: 21q22.3.
Variant type: single nucleotide variant.
Coding change: c.1179+2T>C on transcript NM_001849.4 (MANE Select); the canonical splice donor site of the intron after coding-DNA position 1179, T replaced by C.
Molecular consequence: splice donor variant.
Genome position (GRCh38, 1-based): chr21:46,118,678, T>C. VCF-style: chr21-46118678-T-C. GRCh37 (hg19) VCF-style: chr21-47538592-T-C.
Other names: c.1179+2T>C (NM_058175.3, NM_058174.3).
Identifiers: ClinVar variation 3731300 (VCV003731300.2).